The following is an entry in ClinVar:

ClinVar aggregate classification (germline): Pathogenic (1 of 4 stars; one submission).

Conditions:
Maple syrup urine disease (MSUD). Identifiers: Orphanet 511, MedGen C0024776, MeSH D008375, MONDO:0009563. Disease mechanism: loss of function.

Submission:

Labcorp Genetics (formerly Invitae), Labcorp
Classification: Pathogenic for Maple syrup urine disease. Last evaluated: 2021-05-25. Review status: criteria provided, single submitter. Criteria: Invitae Variant Classification Sherloc (09022015). Collection method: clinical testing. Allele origin: germline.
Comment: For these reasons, this variant has been classified as Pathogenic. Advanced modeling of protein sequence and biophysical properties (such as structural, functional, and spatial information, amino acid conservation, physicochemical variation, residue mobility, and thermodynamic stability) performed at Invitae indicates that this missense variant is expected to disrupt DBT protein function. This variant has been observed in individual(s) with clinical features of maple syrup urine disease (Invitae). This variant is not present in population databases (ExAC no frequency). This sequence change replaces proline with leucine at codon 411 of the DBT protein (p.Pro411Leu). The proline residue is highly conserved and there is a moderate physicochemical difference between proline and leucine.

NM_001918.5(DBT):c.1232C>T (p.Pro411Leu)

Gene: DBT (dihydrolipoamide branched chain transacylase E2; minus strand). Cytogenetic location: 1p21.2.
Variant type: single nucleotide variant.
Coding change: c.1232C>T on transcript NM_001918.5 (MANE Select); coding-DNA position 1232, C replaced by T.
Protein change: p.Pro411Leu; replaces proline 411 with leucine.
Molecular consequence: missense variant.
Genome position (GRCh38, 1-based): chr1:100,206,279, G>A on the plus strand (C>T on the coding strand, the complement: DBT is on the minus strand). VCF-style: chr1-100206279-G-A. GRCh37 (hg19) VCF-style: chr1-100671835-G-A.
Other names: short protein forms P411L.
Identifiers: ClinVar variation 1453507 (VCV001453507.8), dbSNP rs2100779419, ClinGen allele CA341330042.
Genomic context (GRCh38, chr1:100,206,279, plus strand): 5'-AATACATGTACCTTAATTGATCCAAGGGCCCCAATGGCTACTTCAGGTGGCATTATCACT[G>A]GTTTGGCAAAGGTACCACCAATCTATTTTTTAAAAAAAAAAAAAGGAGAGTATTAAAAGT-3'
Protein context (NP_001909.4, residues 401-421): IGSIGGTFAK[Pro411Leu]VIMPPEVAIG